The following is an entry in ClinVar:

ClinVar aggregate classification (germline): Uncertain significance (1 of 4 stars; one submission).

Conditions:
Congenital muscular dystrophy due to integrin alpha-7 deficiency. Also called: MYOPATHY, CONGENITAL, DUE TO INTEGRIN ALPHA-7 DEFICIENCY; Congenital muscular dystrophy with integrin alpha-7 deficiency; Muscular dystrophy, congenital, due to ITGA7 deficiency. Identifiers: Orphanet 34520, MedGen C2750786, MONDO:0013177, OMIM 613204.

gnomAD v4.1: 2 of 1,614,192 alleles (0.00012%); highest among the groups gnomAD compares: Non-Finnish European, 0.00017%; no homozygotes.

Submission:

Labcorp Genetics (formerly Invitae), Labcorp
Classification: Uncertain significance for Congenital muscular dystrophy due to integrin alpha-7 deficiency. Last evaluated: 2022-01-02. Review status: criteria provided, single submitter. Criteria: Invitae Variant Classification Sherloc (09022015). Collection method: clinical testing. Allele origin: germline.
Comment: This variant is not present in population databases (gnomAD no frequency). In summary, the available evidence is currently insufficient to determine the role of this variant in disease. Therefore, it has been classified as a Variant of Uncertain Significance. Algorithms developed to predict the effect of missense changes on protein structure and function are either unavailable or do not agree on the potential impact of this missense change (SIFT: "Deleterious"; PolyPhen-2: "Probably Damaging"; Align-GVGD: "Class C0"). This variant has not been reported in the literature in individuals affected with ITGA7-related conditions. This sequence change replaces isoleucine, which is neutral and non-polar, with phenylalanine, which is neutral and non-polar, at codon 1083 of the ITGA7 protein (p.Ile1083Phe).

NM_002206.3(ITGA7):c.3247A>T (p.Ile1083Phe)

Gene: ITGA7 (integrin subunit alpha 7; minus strand). Cytogenetic location: 12q13.2.
Variant type: single nucleotide variant.
Coding change: c.3247A>T on transcript NM_002206.3 (MANE Select); coding-DNA position 3247, A replaced by T.
Protein change: p.Ile1083Phe; replaces isoleucine 1083 with phenylalanine.
Molecular consequence: missense variant.
Genome position (GRCh38, 1-based): chr12:55,685,225, T>A on the plus strand (A>T on the coding strand, the complement: ITGA7 is on the minus strand). VCF-style: chr12-55685225-T-A. GRCh37 (hg19) VCF-style: chr12-56079009-T-A.
Other names: c.3259A>T, p.Ile1087Phe (NM_001144996.2); c.2968A>T, p.Ile990Phe (NM_001144997.2); c.2920A>T, p.Ile974Phe (NM_001367993.1); c.1903A>T, p.Ile635Phe (NM_001367994.1); c.3229A>T, p.Ile1077Phe (NM_001374465.1); c.3379A>T, p.Ile1127Phe (NM_001410977.1); c.3241A>T, p.Ile1081Phe (NM_001414029.1); c.3172A>T, p.Ile1058Phe (NM_001414030.1); and 5 more; short protein forms I1054F, I1077F, I1081F, I1083F, I1087F, I1127F, I1008F, I1058F.
Identifiers: ClinVar variation 1969721 (VCV001969721.5), dbSNP rs1869817212, ClinGen allele CA385180289.
Genomic context (GRCh38, chr12:55,685,225, plus strand): 5'-TGTTCCTCAGGATGGTGCCCGTCTTCTCCTCCTTGAACTGCTGTCGGTCTTCCCGAGGAA[T>A]CTTCACCGCATGGTACTGGGGCACGGTGGCCTCGGGGTGCTTCGCCCGTTTGAAGAATCC-3'
Protein context (NP_002197.2, residues 1073-1093): ATVPQYHAVK[Ile1083Phe]PREDRQQFKE